The following is an entry in ClinVar:

ClinVar aggregate classification (germline): Uncertain significance. Review status: criteria provided, multiple submitters, no conflicts (2 of 4 stars). 2 submissions from 2 submitters: Uncertain significance (2). Last evaluated 2022-08-19.

Conditions:
Multiple endocrine neoplasia, type 2 (MEN2). Identifiers: Orphanet 653, MedGen C4048306, MONDO:0019003. Disease mechanism: gain of function.
Hereditary cancer-predisposing syndrome. Also called: Neoplastic Syndromes, Hereditary; Tumor predisposition; Hereditary Cancer Syndrome; Hereditary neoplastic syndrome. Identifiers: Orphanet 140162, MedGen C0027672, MeSH D009386, MONDO:0015356.

Allele frequency attached by ClinVar (database versions not stated): gnomAD exomes below 0.00001; ExAC 0.00001.
gnomAD v4.1: 2 of 1,612,018 alleles (0.00012%); highest among the groups gnomAD compares: Admixed American, 0.0033%; no homozygotes.

Submissions (2):

Ambry Genetics
Classification: Uncertain significance for Hereditary cancer-predisposing syndrome. Last evaluated: 2022-08-19. Review status: criteria provided, single submitter. Criteria: Ambry Variant Classification Scheme 2023. Collection method: clinical testing. Allele origin: germline.
Comment: The p.P257T variant (also known as c.769C>A), located in coding exon 4 of the RET gene, results from a C to A substitution at nucleotide position 769. The proline at codon 257 is replaced by threonine, an amino acid with highly similar properties. This amino acid position is conserved. In addition, this alteration is predicted to be tolerated by in silico analysis. Since supporting evidence is limited at this time, the clinical significance of this alteration remains unclear.

Labcorp Genetics (formerly Invitae), Labcorp
Classification: Uncertain significance for Multiple endocrine neoplasia, type 2. Last evaluated: 2021-12-27. Review status: criteria provided, single submitter. Criteria: Invitae Variant Classification Sherloc (09022015). Collection method: clinical testing. Allele origin: germline.
Comment: This sequence change replaces proline, which is neutral and non-polar, with threonine, which is neutral and polar, at codon 257 of the RET protein (p.Pro257Thr). This variant is present in population databases (rs773964804, gnomAD 0.006%). This variant has not been reported in the literature in individuals affected with RET-related conditions. Algorithms developed to predict the effect of missense changes on protein structure and function (SIFT, PolyPhen-2, Align-GVGD) all suggest that this variant is likely to be tolerated. Algorithms developed to predict the effect of sequence changes on RNA splicing suggest that this variant may create or strengthen a splice site. In summary, the available evidence is currently insufficient to determine the role of this variant in disease. Therefore, it has been classified as a Variant of Uncertain Significance.

NM_020975.6(RET):c.769C>A (p.Pro257Thr)

Gene: RET (ret proto-oncogene; plus strand). Cytogenetic location: 10q11.21.
Variant type: single nucleotide variant.
Coding change: c.769C>A on transcript NM_020975.6 (MANE Select); coding-DNA position 769, C replaced by A.
Protein change: p.Pro257Thr; replaces proline 257 with threonine.
Molecular consequence: missense variant.
Genome position (GRCh38, 1-based): chr10:43,105,095, C>A. VCF-style: chr10-43105095-C-A. GRCh37 (hg19) VCF-style: chr10-43600543-C-A.
Other names: c.769C>A, p.Pro257Thr (NM_000323.2, NM_001406743.1, NM_001406744.1 and 8 more transcripts); c.7C>A, p.Pro3Thr (NM_001355216.2); c.640C>A, p.Pro214Thr (NM_001406761.1, NM_001406762.1, NM_001406764.1 and 2 more transcripts); c.481C>A, p.Pro161Thr (NM_001406766.1, NM_001406767.1, NM_001406770.1); short protein forms P161T, P214T, P3T, P257T.
Identifiers: ClinVar variation 1760176 (VCV001760176.7), dbSNP rs773964804, ClinGen allele CA044843.
Genomic context (GRCh38, chr10:43,105,095, plus strand): 5'-TACGAGCTGGTGGCCGTGTGCACCGTGCACGCCGGCGCGCGCGAGGAGGTGGTGATGGTG[C>A]CCTTCCCGGTGACCGTGTACGACGAGGACGACTCGGCGCCCACCTTCCCCGCGGGCGTCG-3'
Protein context (NP_066124.1, residues 247-267): AGAREEVVMV[Pro257Thr]FPVTVYDEDD